The following is an entry in ClinVar:

NM_005751.5(AKAP9):c.2473C>G (p.Leu825Val)

Gene: AKAP9 (A-kinase anchoring protein 9; plus strand). Cytogenetic location: 7q21.2.
Variant type: single nucleotide variant.
Coding change: c.2473C>G on transcript NM_005751.5 (MANE Select); coding-DNA position 2473, C replaced by G.
Protein change: p.Leu825Val; replaces leucine 825 with valine.
Molecular consequence: missense variant.
Genome position (GRCh38, 1-based): chr7:92,002,390, C>G. VCF-style: chr7-92002390-C-G. GRCh37 (hg19) VCF-style: chr7-91631704-C-G.
Other names: c.2473C>G, p.Leu825Val (NM_147185.3); short protein forms L825V.
Identifiers: ClinVar variation 4034562 (VCV004034562.2).
Genomic context (GRCh38, chr7:92,002,390, plus strand): 5'-TTCTTAGACTCCATTAAGTCCAAATCCAAAGACTCTGTGTGGGAAAAAGAAATAGAAATA[C>G]TTATAGAGGAAAATGAGGACCTCAAACAACAATGTATTCAGCTAAATGAAGAGATTGAAA-3'
Protein context (NP_005742.4, residues 815-835): DSVWEKEIEI[Leu825Val]IEENEDLKQQ

ClinVar aggregate classification (germline): Uncertain significance (1 of 4 stars; one submission).

Conditions:
Cardiovascular phenotype. Identifiers: MedGen CN230736.

gnomAD v4.1: 4 of 1,610,674 alleles (0.00025%); highest among the groups gnomAD compares: Admixed American, 0.0017%; no homozygotes.

Submission:

Ambry Genetics
Classification: Uncertain significance for Cardiovascular phenotype. Last evaluated: 2026-08-25. Review status: criteria provided, single submitter. Criteria: Ambry Variant Classification Scheme 2023. Collection method: clinical testing. Allele origin: germline.
Comment: The p.L825V variant (also known as c.2473C>G), located in coding exon 8 of the AKAP9 gene, results from a C to G substitution at nucleotide position 2473. The leucine at codon 825 is replaced by valine, an amino acid with highly similar properties. This amino acid position is highly conserved in available vertebrate species. In addition, this alteration is predicted to be tolerated by in silico analysis. The evidence for this gene-disease relationship is limited; therefore, the clinical significance of this variant is unclear.